The following is an entry in ClinVar:

NM_000238.4(KCNH2):c.3053C>T (p.Pro1018Leu)

Gene: KCNH2 (potassium voltage-gated channel subfamily H member 2; minus strand). Cytogenetic location: 7q36.1.
Variant type: single nucleotide variant.
Coding change: c.3053C>T on transcript NM_000238.4 (MANE Select); coding-DNA position 3053, C replaced by T.
Protein change: p.Pro1018Leu; replaces proline 1018 with leucine.
Molecular consequence: missense variant.
Genome position (GRCh38, 1-based): chr7:150,947,427, G>A on the plus strand (C>T on the coding strand, the complement: KCNH2 is on the minus strand). VCF-style: chr7-150947427-G-A. GRCh37 (hg19) VCF-style: chr7-150644515-G-A.
Other names: c.2033C>T, p.Pro678Leu (NM_172057.3); short protein forms P1018L, P678L.
Identifiers: ClinVar variation 651422 (VCV000651422.10), dbSNP rs866657878, ClinGen allele CA169072005.

ClinVar aggregate classification (germline): Uncertain significance. Review status: criteria provided, multiple submitters, no conflicts (2 of 4 stars). 2 submissions from 2 submitters: Uncertain significance (2). Last evaluated 2022-02-03.

Conditions:
Long QT syndrome (LQTS). Identifiers: MedGen C0023976, MeSH D008133, MONDO:0002442. Disease mechanism: loss of function. Inheritance: Various modes of inheritance.
Cardiovascular phenotype. Identifiers: MedGen CN230736.

Allele frequency attached by ClinVar (database versions not stated): gnomAD exomes below 0.00001 and 0.00001; TOPMed 0.00001.
gnomAD v4.1: 5 of 1,556,114 alleles (0.00032%); highest among the groups gnomAD compares: South Asian, 0.0012%; no homozygotes.

Submissions (2):

Labcorp Genetics (formerly Invitae), Labcorp
Classification: Uncertain significance for Long QT syndrome. Last evaluated: 2022-02-03. Review status: criteria provided, single submitter. Criteria: Invitae Variant Classification Sherloc (09022015). Collection method: clinical testing. Allele origin: germline.
Comment: The frequency data for this variant in the population databases is considered unreliable, as metrics indicate poor data quality at this position in the gnomAD database. In summary, the available evidence is currently insufficient to determine the role of this variant in disease. Therefore, it has been classified as a Variant of Uncertain Significance. Algorithms developed to predict the effect of missense changes on protein structure and function are either unavailable or do not agree on the potential impact of this missense change (SIFT: "Deleterious"; PolyPhen-2: "Probably Damaging"; Align-GVGD: "Class C0"). ClinVar contains an entry for this variant (Variation ID: 651422). This variant has not been reported in the literature in individuals affected with KCNH2-related conditions. This sequence change replaces proline, which is neutral and non-polar, with leucine, which is neutral and non-polar, at codon 1018 of the KCNH2 protein (p.Pro1018Leu).

Ambry Genetics
Classification: Uncertain significance for Cardiovascular phenotype. Last evaluated: 2019-05-29. Review status: criteria provided, single submitter. Criteria: Ambry Variant Classification Scheme 2023. Collection method: clinical testing. Allele origin: germline.
Comment: The p.P1018L variant (also known as c.3053C>T), located in coding exon 13 of the KCNH2 gene, results from a C to T substitution at nucleotide position 3053. The proline at codon 1018 is replaced by leucine, an amino acid with similar properties. This amino acid position is not well conserved in available vertebrate species, and leucine is the reference amino acid in other vertebrate species. In addition, the in silico prediction for this alteration is inconclusive. Since supporting evidence is limited at this time, the clinical significance of this alteration remains unclear.